The following is an entry in ClinVar:

NM_003482.4(KMT2D):c.14185C>T (p.Arg4729Trp)

Gene: KMT2D (lysine methyltransferase 2D; minus strand). Cytogenetic location: 12q13.12.
Variant type: single nucleotide variant.
Coding change: c.14185C>T on transcript NM_003482.4 (MANE Select); coding-DNA position 14185, C replaced by T.
Protein change: p.Arg4729Trp; replaces arginine 4729 with tryptophan.
Molecular consequence: missense variant.
Genome position (GRCh38, 1-based): chr12:49,029,127, G>A on the plus strand (C>T on the coding strand, the complement: KMT2D is on the minus strand). VCF-style: chr12-49029127-G-A. GRCh37 (hg19) VCF-style: chr12-49422910-G-A.
Other names: short protein forms R4729W.
Identifiers: ClinVar variation 94171 (VCV000094171.15), dbSNP rs398123719, ClinGen allele CA222017.

ClinVar aggregate classification (germline): Conflicting classifications of pathogenicity. Review status: criteria provided, conflicting classifications (1 of 4 stars). 3 submissions from 3 submitters: Uncertain significance (1); Benign (1). 1 of the submissions does not count toward it. Last evaluated 2025-11-03.

Conditions:
KMT2D-related disorder. Also called: KMT2D-Related Disorders.
Kabuki syndrome. Also called: NIIKAWA-KUROKI SYNDROME; Kabuki make-up syndrome. Identifiers: Orphanet 2322, MedGen C0796004, MONDO:0016512.

Allele frequency attached by ClinVar (database versions not stated): ExAC 0.00002; gnomAD exomes 0.00001; TOPMed 0.00002; gnomAD 0.00003.
gnomAD v4.1: 15 of 1,613,342 alleles (0.00093%); highest among the groups gnomAD compares: African/African-American, 0.0067%; no homozygotes.

Submissions (3):

Labcorp Genetics (formerly Invitae), Labcorp
Classification: Benign for Kabuki syndrome. Last evaluated: 2025-11-03. Review status: criteria provided, single submitter. Criteria: Invitae Variant Classification Sherloc (09022015). Collection method: clinical testing. Allele origin: germline.

Eurofins Ntd Llc (ga)
Classification: Uncertain significance. Last evaluated: 2012-09-14. Review status: criteria provided, single submitter. Criteria: EGL Classification Definitions 2015. Collection method: clinical testing. Allele origin: germline. Observed: 2 variant alleles, 2 heterozygotes.

PreventionGenetics, part of Exact Sciences
Classification: Uncertain significance for KMT2D-related condition. Last evaluated: 2024-06-21. Review status: no assertion criteria provided. Collection method: clinical testing. Allele origin: germline. Not counted in ClinVar's aggregate classification.
Comment: The KMT2D c.14185C>T variant is predicted to result in the amino acid substitution p.Arg4729Trp. To our knowledge, this variant has not been reported in the literature. This variant is reported in 0.0083% of alleles in individuals of African descent in gnomAD. At this time, the clinical significance of this variant is uncertain due to the absence of conclusive functional and genetic evidence.